The following is an entry in ClinVar:

ClinVar aggregate classification (germline): Uncertain significance. Review status: criteria provided, multiple submitters, no conflicts (2 of 4 stars). 3 submissions from 3 submitters: Uncertain significance (3). Last evaluated 2025-11-18.

Conditions:
Wilms tumor 1 (WT1). Also called: Wilms tumor, somatic. Identifiers: Orphanet 654, MedGen CN033288, MONDO:0008679, OMIM 194070.
Simpson-Golabi-Behmel syndrome type 1 (SGBS1). Also called: GPC3-Related Simpson-Golabi-Behmel Syndrome Type 1; DYSPLASIA GIGANTISM SYNDROME, X-LINKED; GOLABI-ROSEN SYNDROME; BULLDOG SYNDROME; SIMPSON DYSMORPHIA SYNDROME. Identifiers: Orphanet 373, MedGen C0796154, MONDO:0020602, OMIM 312870.

Allele frequency attached by ClinVar (database versions not stated): gnomAD exomes 0.00003.
gnomAD v4.1: 27 of 1,210,570 alleles (0.0022%); highest among the groups gnomAD compares: East Asian, 0.08%; no homozygotes.

Submissions (3):

Labcorp Genetics (formerly Invitae), Labcorp
Classification: Uncertain significance for Wilms tumor 1. Last evaluated: 2025-11-18. Review status: criteria provided, single submitter. Criteria: Invitae Variant Classification Sherloc (09022015). Collection method: clinical testing. Allele origin: germline.
Comment: This sequence change replaces threonine, which is neutral and polar, with isoleucine, which is neutral and non-polar, at codon 326 of the GPC3 protein (p.Thr326Ile). This variant is not present in population databases (gnomAD no frequency). This variant has not been reported in the literature in individuals affected with GPC3-related conditions. ClinVar contains an entry for this variant (Variation ID: 656259). Invitae Evidence Modeling of protein sequence and biophysical properties (such as structural, functional, and spatial information, amino acid conservation, physicochemical variation, residue mobility, and thermodynamic stability) indicates that this missense variant is not expected to disrupt GPC3 protein function with a negative predictive value of 80%. In summary, the available evidence is currently insufficient to determine the role of this variant in disease. Therefore, it has been classified as a Variant of Uncertain Significance.

Blueprint Genetics
Classification: Uncertain significance. Last evaluated: 2022-02-24. Review status: criteria provided, single submitter. Criteria: ACMG Guidelines, 2015. Collection method: clinical testing. Allele origin: germline.

Department of Pathology and Laboratory Medicine, Sinai Health System
Classification: Uncertain significance for Wilms tumor 1; Simpson-Golabi-Behmel syndrome type 1. Last evaluated: 2021-07-30. Review status: criteria provided, single submitter. Criteria: ACMG Guidelines, 2015. Collection method: research. Allele origin: germline.

NM_004484.4(GPC3):c.977C>T (p.Thr326Ile)

Gene: GPC3 (glypican 3; minus strand). Cytogenetic location: Xq26.2.
Variant type: single nucleotide variant.
Coding change: c.977C>T on transcript NM_004484.4 (MANE Select); coding-DNA position 977, C replaced by T.
Protein change: p.Thr326Ile; replaces threonine 326 with isoleucine.
Molecular consequence: missense variant.
Genome position (GRCh38, 1-based): chrX:133,753,537, G>A on the plus strand (C>T on the coding strand, the complement: GPC3 is on the minus strand). VCF-style: chrX-133753537-G-A. GRCh37 (hg19) VCF-style: chrX-132887564-G-A.
Other names: c.977C>T, p.Thr326Ile (NM_001164617.2); c.929C>T, p.Thr310Ile (NM_001164618.2); c.815C>T, p.Thr272Ile (NM_001164619.2); short protein forms T272I, T326I, T310I.
Identifiers: ClinVar variation 656259 (VCV000656259.13), dbSNP rs900270133, ClinGen allele CA335981501.